The following is an entry in ClinVar:

NM_000361.3(THBD):c.967T>C (p.Cys323Arg)

Gene: THBD (thrombomodulin; minus strand). Cytogenetic location: 20p11.21.
Variant type: single nucleotide variant.
Coding change: c.967T>C on transcript NM_000361.3 (MANE Select); coding-DNA position 967, T replaced by C.
Protein change: p.Cys323Arg; replaces cysteine 323 with arginine.
Molecular consequence: missense variant.
Genome position (GRCh38, 1-based): chr20:23,048,538, A>G on the plus strand (T>C on the coding strand, the complement: THBD is on the minus strand). VCF-style: chr20-23048538-A-G. GRCh37 (hg19) VCF-style: chr20-23029175-A-G.
Other names: short protein forms C323R.
Identifiers: ClinVar variation 1307761 (VCV001307761.2), dbSNP rs1600409744, ClinGen allele CA408406570.

ClinVar aggregate classification (germline): Uncertain significance (1 of 4 stars; one submission).

Allele frequency attached by ClinVar (database versions not stated): TOPMed below 0.00001.

Submission:

GeneDx
Classification: Uncertain significance. Last evaluated: 2019-03-06. Review status: criteria provided, single submitter. Criteria: GeneDx Variant Classification Process June 2021. Collection method: clinical testing. Allele origin: germline. Affected: yes.
Comment: Not observed in large population cohorts (Lek et al., 2016); In silico analysis, which includes protein predictors and evolutionary conservation, supports a deleterious effect; Has not been previously published as pathogenic or benign to our knowledge